The following is an entry in ClinVar:

NM_004977.3(KCNC3):c.376T>G (p.Phe126Val)

Gene: KCNC3 (potassium voltage-gated channel subfamily C member 3; minus strand). Cytogenetic location: 19q13.33.
Variant type: single nucleotide variant.
Coding change: c.376T>G on transcript NM_004977.3 (MANE Select); coding-DNA position 376, T replaced by G.
Protein change: p.Phe126Val; replaces phenylalanine 126 with valine.
Molecular consequence: missense variant.
Genome position (GRCh38, 1-based): chr19:50,328,707, A>C on the plus strand (T>G on the coding strand, the complement: KCNC3 is on the minus strand). VCF-style: chr19-50328707-A-C. GRCh37 (hg19) VCF-style: chr19-50831964-A-C.
Other names: c.148T>G, p.Phe50Val (NM_001372305.1); short protein forms F126V, F50V.
Identifiers: ClinVar variation 1997124 (VCV001997124.4), dbSNP rs2513804072, ClinGen allele CA406955875.

ClinVar aggregate classification (germline): Uncertain significance (1 of 4 stars; one submission).

Submission:

Labcorp Genetics (formerly Invitae), Labcorp
Classification: Uncertain significance. Last evaluated: 2022-05-20. Review status: criteria provided, single submitter. Criteria: Invitae Variant Classification Sherloc (09022015). Collection method: clinical testing. Allele origin: germline.
Comment: In summary, the available evidence is currently insufficient to determine the role of this variant in disease. Therefore, it has been classified as a Variant of Uncertain Significance. Advanced modeling of protein sequence and biophysical properties (such as structural, functional, and spatial information, amino acid conservation, physicochemical variation, residue mobility, and thermodynamic stability) performed at Invitae indicates that this missense variant is expected to disrupt KCNC3 protein function. This variant has not been reported in the literature in individuals affected with KCNC3-related conditions. This variant is not present in population databases (gnomAD no frequency). This sequence change replaces phenylalanine, which is neutral and non-polar, with valine, which is neutral and non-polar, at codon 126 of the KCNC3 protein (p.Phe126Val).